The following is an entry in ClinVar:

ClinVar aggregate classification (germline): Uncertain significance (1 of 4 stars; one submission).

Submission:

Labcorp Genetics (formerly Invitae), Labcorp
Classification: Uncertain significance. Last evaluated: 2024-10-23. Review status: criteria provided, single submitter. Criteria: Invitae Variant Classification Sherloc (09022015). Collection method: clinical testing. Allele origin: germline.
Comment: This sequence change replaces valine, which is neutral and non-polar, with phenylalanine, which is neutral and non-polar, at codon 190 of the GINS1 protein (p.Val190Phe). This variant is not present in population databases (gnomAD no frequency). This variant has not been reported in the literature in individuals affected with GINS1-related conditions. An algorithm developed to predict the effect of missense changes on protein structure and function (PolyPhen-2) suggests that this variant is likely to be tolerated. In summary, the available evidence is currently insufficient to determine the role of this variant in disease. Therefore, it has been classified as a Variant of Uncertain Significance.

NM_021067.5(GINS1):c.568G>T (p.Val190Phe)

Gene: GINS1 (GINS complex subunit 1; plus strand). Cytogenetic location: 20p11.21.
Variant type: single nucleotide variant.
Coding change: c.568G>T on transcript NM_021067.5 (MANE Select); coding-DNA position 568, G replaced by T.
Protein change: p.Val190Phe; replaces valine 190 with phenylalanine.
Molecular consequence: missense variant. On other transcripts: non-coding transcript variant (1).
Genome position (GRCh38, 1-based): chr20:25,445,968, G>T. VCF-style: chr20-25445968-G-T. GRCh37 (hg19) VCF-style: chr20-25426604-G-T.
Other names: c.451G>T, p.Val151Phe (NM_001410830.1); c.313G>T, p.Val105Phe (NM_001410831.1); short protein forms V151F, V105F, V190F.
Identifiers: ClinVar variation 3632208 (VCV003632208.2).